The following is an entry in ClinVar:

NM_144670.6(A2ML1):c.2259C>T (p.His753=)

Gene: A2ML1 (alpha-2-macroglobulin like 1; plus strand). Cytogenetic location: 12p13.31.
Variant type: single nucleotide variant.
Coding change: c.2259C>T on transcript NM_144670.6 (MANE Select); coding-DNA position 2259, C replaced by T.
Protein change: p.His753=; no amino-acid change (histidine 753 retained).
Molecular consequence: synonymous variant.
Genome position (GRCh38, 1-based): chr12:8,851,808, C>T. VCF-style: chr12-8851808-C-T. GRCh37 (hg19) VCF-style: chr12-9004404-C-T.
Other names: c.786C>T, p.His262= (NM_001282424.3).
Identifiers: ClinVar variation 700971 (VCV000700971.35), dbSNP rs747555996, ClinGen allele CA6435971.
Genomic context (GRCh38, chr12:8,851,808, plus strand): 5'-TACCTCTGCCTCATGTTGGTCCTTGTGTTTTCACAGTAACTCGGGGAAGGAGGCGGTCCA[C>T]GTCACAGTTCCTGACGCCATCACCGAGTGGAAGGCGATGAGTTTCTGCACTTCCCAGTCA-3'
Protein context (NP_653271.3, residues 743-763): PIGNSGKEAV[His753=]VTVPDAITEW

ClinVar aggregate classification (germline): Likely benign. Review status: criteria provided, multiple submitters, no conflicts (2 of 4 stars). 4 submissions from 4 submitters: Likely benign (4). Last evaluated 2025-02-17.

Allele frequency attached by ClinVar (database versions not stated): ExAC 0.00002; gnomAD exomes 0.00002 and 0.00003; gnomAD 0.00004 and 0.00005; TOPMed 0.00004; 1000 Genomes Project 0.00020; 1000 Genomes Project 30x 0.00031.
gnomAD v4.1: 56 of 1,614,142 alleles (0.0035%); highest among the groups gnomAD compares: East Asian, 0.0089%; no homozygotes.

Submissions (4):

Labcorp Genetics (formerly Invitae), Labcorp
Classification: Likely benign. Last evaluated: 2025-02-17. Review status: criteria provided, single submitter. Criteria: Invitae Variant Classification Sherloc (09022015). Collection method: clinical testing. Allele origin: germline.

Women's Health and Genetics/Laboratory Corporation of America, LabCorp
Classification: Likely benign. Last evaluated: 2022-04-17. Review status: criteria provided, single submitter. Criteria: LabCorp Variant Classification Summary - May 2015. Collection method: clinical testing. Allele origin: germline.

CeGaT Center for Human Genetics Tuebingen
Classification: Likely benign. Last evaluated: 2022-03-01. Review status: criteria provided, single submitter. Criteria: CeGaT Center For Human Genetics Tuebingen Variant Classification Criteria Version 2. Collection method: clinical testing. Allele origin: germline. Affected: yes. Observed: 1 variant allele.
Comment: A2ML1: BP4, BP7

Ambry Genetics
Classification: Likely benign. Last evaluated: 2020-02-14. Review status: criteria provided, single submitter. Criteria: Ambry Variant Classification Scheme 2023. Collection method: clinical testing. Allele origin: germline.